The following is an entry in ClinVar:

ClinVar aggregate classification (germline): Uncertain significance (1 of 4 stars; one submission).

Submission:

Labcorp Genetics (formerly Invitae), Labcorp
Classification: Uncertain significance. Last evaluated: 2022-06-18. Review status: criteria provided, single submitter. Criteria: Invitae Variant Classification Sherloc (09022015). Collection method: clinical testing. Allele origin: germline.
Comment: This variant is not present in population databases (gnomAD no frequency). This sequence change replaces alanine, which is neutral and non-polar, with aspartic acid, which is acidic and polar, at codon 260 of the STX3 protein (p.Ala260Asp). In summary, the available evidence is currently insufficient to determine the role of this variant in disease. Therefore, it has been classified as a Variant of Uncertain Significance. Algorithms developed to predict the effect of missense changes on protein structure and function (SIFT, PolyPhen-2, Align-GVGD) all suggest that this variant is likely to be disruptive. This variant has not been reported in the literature in individuals affected with STX3-related conditions.

NM_004177.5(STX3):c.779C>A (p.Ala260Asp)

Gene: STX3 (syntaxin 3; plus strand). Cytogenetic location: 11q12.1.
Variant type: single nucleotide variant.
Coding change: c.779C>A on transcript NM_004177.5 (MANE Select); coding-DNA position 779, C replaced by A.
Protein change: p.Ala260Asp; replaces alanine 260 with aspartic acid.
Molecular consequence: missense variant.
Genome position (GRCh38, 1-based): chr11:59,795,475, C>A. VCF-style: chr11-59795475-C-A. GRCh37 (hg19) VCF-style: chr11-59562948-C-A.
Other names: c.779C>A, p.Ala260Asp (NM_001178040.3); short protein forms A260D.
Identifiers: ClinVar variation 2007872 (VCV002007872.4), dbSNP rs1565190931, ClinGen allele CA380800160.